The following is an entry in ClinVar:

ClinVar aggregate classification (germline): Conflicting classifications of pathogenicity. Review status: criteria provided, conflicting classifications (1 of 4 stars). 3 submissions from 3 submitters: Uncertain significance (2); Likely benign (1). Last evaluated 2025-07-15.

Conditions:
Hereditary cancer-predisposing syndrome. Also called: Tumor predisposition; Neoplastic Syndromes, Hereditary; Hereditary Cancer Syndrome; Hereditary neoplastic syndrome. Identifiers: Orphanet 140162, MedGen C0027672, MeSH D009386, MONDO:0015356.

Allele frequency attached by ClinVar (database versions not stated): gnomAD exomes below 0.00001.
gnomAD v4.1: 1 of 1,613,992 alleles (0.000062%); highest among the groups gnomAD compares: Non-Finnish European, 0.000085%; no homozygotes.

Submissions (3):

Color Diagnostics, LLC DBA Color Health
Classification: Uncertain significance for Hereditary cancer-predisposing syndrome. Last evaluated: 2025-07-15. Review status: criteria provided, single submitter. Criteria: ACMG Guidelines, 2015. Collection method: clinical testing. Allele origin: germline.
Comment: This missense variant replaces asparagine with threonine at codon 1034 of the BRCA1 protein. Computational prediction suggests that this variant may not impact protein structure and function. To our knowledge, functional studies have not been reported for this variant. This variant has not been reported in individuals affected with BRCA1-related disorders in the literature. This variant has not been identified in the general population by the Genome Aggregation Database (gnomAD). The available evidence is insufficient to determine the role of this variant in disease conclusively. Therefore, this variant is classified as a Variant of Uncertain Significance.

University of Washington Department of Laboratory Medicine, University of Washington
Classification: Likely benign for Hereditary cancer-predisposing syndrome. Last evaluated: 2023-03-23. Review status: criteria provided, single submitter. Criteria: Dines et al. (Genet Med. 2020). Collection method: curation. Allele origin: germline.
Comment: Missense variant in a coldspot region where missense variants are very unlikely to be pathogenic (PMID:31911673).

BRCA1 coldspot (exon 11 using historical exon numbering). Reclassification based on statistical prior probability

Ambry Genetics
Classification: Uncertain significance for Hereditary cancer-predisposing syndrome. Last evaluated: 2019-11-08. Review status: criteria provided, single submitter. Criteria: Ambry Variant Classification Scheme 2023. Collection method: clinical testing. Allele origin: germline.
Comment: The p.N1034T variant (also known as c.3101A>C), located in coding exon 9 of the BRCA1 gene, results from an A to C substitution at nucleotide position 3101. The asparagine at codon 1034 is replaced by threonine, an amino acid with similar properties. This amino acid position is poorly conserved in available vertebrate species. In addition, this alteration is predicted to be tolerated by in silico analysis. Since supporting evidence is limited at this time, the clinical significance of this alteration remains unclear.

NM_007294.4(BRCA1):c.3101A>C (p.Asn1034Thr)

Gene: BRCA1 (BRCA1 DNA repair associated; minus strand). Cytogenetic location: 17q21.31.
Variant type: single nucleotide variant.
Coding change: c.3101A>C on transcript NM_007294.4 (MANE Select); coding-DNA position 3101, A replaced by C.
Protein change: p.Asn1034Thr; replaces asparagine 1034 with threonine.
Molecular consequence: missense variant. On other transcripts: intron variant (137).
Genome position (GRCh38, 1-based): chr17:43,092,430, T>G on the plus strand (A>C on the coding strand, the complement: BRCA1 is on the minus strand). VCF-style: chr17-43092430-T-G. GRCh37 (hg19) VCF-style: chr17-41244447-T-G.
Other names: c.3101A>C, p.Asn1034Thr (NM_001407858.1, NM_001407859.1, NM_001407581.1 and 30 more transcripts); c.3098A>C, p.Asn1033Thr (NM_001407860.1, NM_001407861.1, NM_001407587.1 and 22 more transcripts); c.2900A>C, p.Asn967Thr (NM_001407862.1); c.2978A>C, p.Asn993Thr (NM_001407863.1, NM_001407648.1, NM_001407664.1 and 19 more transcripts); c.2897A>C, p.Asn966Thr (NM_001407875.1, NM_001407874.1); c.2891A>C, p.Asn964Thr (NM_001407881.1, NM_001407882.1, NM_001407884.1 and 13 more transcripts); c.2888A>C, p.Asn963Thr (NM_001407571.1, NM_001407853.1, NM_001407894.1 and 9 more transcripts); c.3092A>C, p.Asn1031Thr (NM_001407646.1, NM_001407647.1); and 41 more; short protein forms N1008T, N1031T, N738T, N866T, N923T, N945T, N963T, N986T.
Identifiers: ClinVar variation 1727646 (VCV001727646.5), dbSNP rs2154342545, ClinGen allele CA10595787.